The following is an entry in ClinVar:

NM_000334.4(SCN4A):c.3062G>A (p.Arg1021His)

Genes: GH-LCR (growth hormone locus control region; plus strand), SCN4A (sodium voltage-gated channel alpha subunit 4; minus strand). Cytogenetic location: 17q23.3.
Variant type: single nucleotide variant.
Coding change: c.3062G>A on transcript NM_000334.4 (MANE Select); coding-DNA position 3062, G replaced by A.
Protein change: p.Arg1021His; replaces arginine 1021 with histidine.
Molecular consequence: missense variant.
Genome position (GRCh38, 1-based): chr17:63,948,693, C>T on the plus strand (G>A on the coding strand, the complement: SCN4A is on the minus strand). VCF-style: chr17-63948693-C-T. GRCh37 (hg19) VCF-style: chr17-62026053-C-T.
Other names: short protein forms R1021H.
Identifiers: ClinVar variation 891705 (VCV000891705.9), dbSNP rs770497876, ClinGen allele CA8709401.

ClinVar aggregate classification (germline): Conflicting classifications of pathogenicity. Review status: criteria provided, conflicting classifications (1 of 4 stars). 6 submissions from 2 submitters: Uncertain significance (2); Likely benign (4). Last evaluated 2025-01-14.

Conditions:
Paramyotonia congenita of Von Eulenburg. Also called: PARALYSIS PERIODICA PARAMYOTONICA; Eulenburg disease; Myotonia congenita intermittens; Von Eulenburg paramyotonia congenita; Paramyotonia Congenita. Identifiers: Orphanet 684, MedGen C0221055, MONDO:0008195, OMIM 168300. Disease mechanism: loss of function.
Potassium-aggravated myotonia. Also called: Myotonia congenita, atypical, acetazolamide-responsive; MYOTONIA CONGENITA, ACETAZOLAMIDE-RESPONSIVE; MYOTONIA CONGENITA, ATYPICAL; SODIUM CHANNEL MUSCLE DISEASE. Identifiers: Orphanet 612, Orphanet 99734, Orphanet 99735, Orphanet 99736, MedGen C2931826, MONDO:0018959, OMIM 608390.
Congenital myasthenic syndrome 16. Identifiers: Orphanet 590, MedGen C3280112, MONDO:0013620, OMIM 614198.
Hypokalemic periodic paralysis, type 2 (HOKPP2). Identifiers: Orphanet 681, MedGen C2750061, MONDO:0013234, OMIM 613345.
Hyperkalemic periodic paralysis. Also called: Gamstorp disease; Familial hyperkalemic periodic paralysis. Identifiers: Orphanet 682, MedGen C0238357, MONDO:0008224, OMIM 170500, HP:0007215.

Allele frequency attached by ClinVar (database versions not stated): TOPMed below 0.00001; ExAC 0.00002.
gnomAD v4.1: 26 of 1,613,638 alleles (0.0016%); highest among the groups gnomAD compares: East Asian, 0.0022%; no homozygotes.

Submissions (6):

Labcorp Genetics (formerly Invitae), Labcorp
Classification: Uncertain significance for Hyperkalemic periodic paralysis. Last evaluated: 2025-01-14. Review status: criteria provided, single submitter. Criteria: Invitae Variant Classification Sherloc (09022015). Collection method: clinical testing. Allele origin: germline.
Comment: This sequence change replaces arginine, which is basic and polar, with histidine, which is basic and polar, at codon 1021 of the SCN4A protein (p.Arg1021His). This variant is present in population databases (rs770497876, gnomAD 0.003%). This variant has not been reported in the literature in individuals affected with SCN4A-related conditions. ClinVar contains an entry for this variant (Variation ID: 891705). Invitae Evidence Modeling of protein sequence and biophysical properties (such as structural, functional, and spatial information, amino acid conservation, physicochemical variation, residue mobility, and thermodynamic stability) indicates that this missense variant is expected to disrupt SCN4A protein function with a positive predictive value of 95%. In summary, the available evidence is currently insufficient to determine the role of this variant in disease. Therefore, it has been classified as a Variant of Uncertain Significance.

Illumina Laboratory Services, Illumina
Classification: Likely benign for Potassium-aggravated myotonia. Last evaluated: 2018-01-12. Review status: criteria provided, single submitter. Criteria: ICSL Variant Classification Criteria 13 December 2019. Collection method: clinical testing. Allele origin: germline.
Comment: This variant was observed in the ICSL laboratory as part of a predisposition screen in an ostensibly healthy population. It had not been previously curated by ICSL or reported in the Human Gene Mutation Database (HGMD: prior to June 1st, 2018), and was therefore a candidate for classification through an automated scoring system. Utilizing variant allele frequency, disease prevalence and penetrance estimates, and inheritance mode, an automated score was calculated to assess if this variant is too frequent to cause the disease. Based on the score and internal cut-off values, a variant classified as likely benign is not then subjected to further curation. The score for this variant resulted in a classification of likely benign for this disease.

Illumina Laboratory Services, Illumina
Classification: Uncertain significance for Congenital myasthenic syndrome 16. Last evaluated: 2018-01-12. Review status: criteria provided, single submitter. Criteria: ICSL Variant Classification Criteria 13 December 2019. Collection method: clinical testing. Allele origin: germline.

Illumina Laboratory Services, Illumina
Classification: Likely benign for Hyperkalemic periodic paralysis. Last evaluated: 2018-01-12. Review status: criteria provided, single submitter. Criteria: ICSL Variant Classification Criteria 13 December 2019. Collection method: clinical testing. Allele origin: germline.
Comment: the same text as in the submission from Illumina Laboratory Services, Illumina above.

Illumina Laboratory Services, Illumina
Classification: Likely benign for Hypokalemic periodic paralysis, type 2. Last evaluated: 2018-01-12. Review status: criteria provided, single submitter. Criteria: ICSL Variant Classification Criteria 13 December 2019. Collection method: clinical testing. Allele origin: germline.
Comment: the same text as in the submission from Illumina Laboratory Services, Illumina above.

Illumina Laboratory Services, Illumina
Classification: Likely benign for Paramyotonia congenita of Von Eulenburg. Last evaluated: 2018-01-12. Review status: criteria provided, single submitter. Criteria: ICSL Variant Classification Criteria 13 December 2019. Collection method: clinical testing. Allele origin: germline.
Comment: the same text as in the submission from Illumina Laboratory Services, Illumina above.